The following is an entry in ClinVar:

NM_000140.5(FECH):c.112T>G (p.Ser38Ala)

Gene: FECH (ferrochelatase; minus strand). Cytogenetic location: 18q21.31.
Variant type: single nucleotide variant.
Coding change: c.112T>G on transcript NM_000140.5 (MANE Select); coding-DNA position 112, T replaced by G.
Protein change: p.Ser38Ala; replaces serine 38 with alanine.
Molecular consequence: missense variant. On other transcripts: 5 prime UTR variant (1).
Genome position (GRCh38, 1-based): chr18:57,580,155, A>C on the plus strand (T>G on the coding strand, the complement: FECH is on the minus strand). VCF-style: chr18-57580155-A-C. GRCh37 (hg19) VCF-style: chr18-55247387-A-C.
Other names: c.112T>G, p.Ser38Ala (NM_001012515.4, NM_001371094.1, NM_001374778.1); c.-105T>G (NM_001371095.1); short protein forms S38A.
Identifiers: ClinVar variation 1500874 (VCV001500874.6), dbSNP rs2051255745, ClinGen allele CA402538293.
Genomic context (GRCh38, chr18:57,580,155, plus strand): 5'-GTTTTGCACCCTGGGCATGCTGGGCTGTTTCTGTGGTGACGGCCGCTGCAGCTGCACCTG[A>C]CTTCCACCTCCATGGCTGACAGACCCTCCAGCTGCTGGATGCCACTGTGACAAAATTAAA-3'
Protein context (NP_000131.2, residues 28-48): WRVCQPWRWK[Ser38Ala]GAAAAAVTTE

ClinVar aggregate classification (germline): Uncertain significance (1 of 4 stars; one submission).

Allele frequency attached by ClinVar (database versions not stated): gnomAD exomes 0.00001; TOPMed 0.00001.
gnomAD v4.1: 9 of 1,614,144 alleles (0.00056%); highest among the groups gnomAD compares: Non-Finnish European, 0.00076%; no homozygotes.

Submission:

Labcorp Genetics (formerly Invitae), Labcorp
Classification: Uncertain significance. Last evaluated: 2021-11-12. Review status: criteria provided, single submitter. Criteria: Invitae Variant Classification Sherloc (09022015). Collection method: clinical testing. Allele origin: germline.
Comment: This sequence change replaces serine, which is neutral and polar, with alanine, which is neutral and non-polar, at codon 38 of the FECH protein (p.Ser38Ala). In summary, the available evidence is currently insufficient to determine the role of this variant in disease. Therefore, it has been classified as a Variant of Uncertain Significance. Algorithms developed to predict the effect of missense changes on protein structure and function (SIFT, PolyPhen-2, Align-GVGD) all suggest that this variant is likely to be tolerated. This variant has not been reported in the literature in individuals affected with FECH-related conditions. This variant is not present in population databases (gnomAD no frequency).